The following is an entry in ClinVar:

ClinVar aggregate classification (germline): Uncertain significance. Review status: criteria provided, multiple submitters, no conflicts (2 of 4 stars). 2 submissions from 2 submitters: Uncertain significance (2). Last evaluated 2026-09-22.

Conditions:
ERBIN-related disorder. Also called: ERBIN-related condition.

Allele frequency attached by ClinVar (database versions not stated): ExAC 0.00010; gnomAD exomes 0.00011; ESP Exome Variant Server 0.00023; gnomAD 0.00034 and 0.00039; TOPMed 0.00049.
gnomAD v4.1: 287 of 1,612,154 alleles (0.018%); highest among the groups gnomAD compares: African/African-American, 0.12%; no homozygotes.

Submissions (2):

PreventionGenetics, part of Exact Sciences
Classification: Uncertain significance for ERBIN-related condition. Last evaluated: 2026-09-22. Review status: criteria provided, single submitter. Criteria: ACMG Guidelines, 2015. Collection method: clinical testing. Allele origin: germline.
Comment: The ERBIN c.867G>A variant is predicted to result in the amino acid substitution p.Met289Ile. To our knowledge, this variant has not been reported in the literature. This variant is reported in 0.13% of alleles in individuals of African descent in gnomAD. Although we suspect that this variant may be benign, at this time, the clinical significance of this variant is uncertain due to the absence of conclusive functional and genetic evidence.

Labcorp Genetics (formerly Invitae), Labcorp
Classification: Uncertain significance. Last evaluated: 2026-01-26. Review status: criteria provided, single submitter. Criteria: Invitae Variant Classification Sherloc (09022015). Collection method: clinical testing. Allele origin: germline.
Comment: This sequence change replaces methionine, which is neutral and non-polar, with isoleucine, which is neutral and non-polar, at codon 289 of the ERBIN protein (p.Met289Ile). This variant is present in population databases (rs371881644, gnomAD 0.1%), and has an allele count higher than expected for a pathogenic variant. This variant has not been reported in the literature in individuals affected with ERBIN-related conditions. ClinVar contains an entry for this variant (Variation ID: 1509714). An algorithm developed to predict the effect of missense changes on protein structure and function outputs the following: PolyPhen-2: "Benign". The isoleucine amino acid residue is found in multiple mammalian species, which suggests that this missense change does not adversely affect protein function. In summary, the available evidence is currently insufficient to determine the role of this variant in disease. Therefore, it has been classified as a Variant of Uncertain Significance.

NM_001253697.2(ERBIN):c.867G>A (p.Met289Ile)

Gene: ERBIN (erbb2 interacting protein; plus strand). Cytogenetic location: 5q12.3.
Variant type: single nucleotide variant.
Coding change: c.867G>A on transcript NM_001253697.2 (MANE Select); coding-DNA position 867, G replaced by A.
Protein change: p.Met289Ile; replaces methionine 289 with isoleucine.
Molecular consequence: missense variant.
Genome position (GRCh38, 1-based): chr5:66,025,529, G>A. VCF-style: chr5-66025529-G-A. GRCh37 (hg19) VCF-style: chr5-65321357-G-A.
Other names: c.867G>A (NM_001006600.2); c.867G>A, p.Met289Ile (NM_001006600.3, NM_001253698.2, NM_001253699.2 and 2 more transcripts); short protein forms M289I.
Identifiers: ClinVar variation 1509714 (VCV001509714.9), dbSNP rs371881644, ClinGen allele CA3286067.
Genomic context (GRCh38, chr5:66,025,529, plus strand): 5'-TCCCTCATTAGGTTCGTTGAAGAATATAACAACGCTTAAAATAGATGAAAACCAGTTAAT[G>A]TATCTGCCAGACTCTATAGGAGGGTAAGTTTTTTGTGAATGTATACACCCTCGAAGATTT-3'
Protein context (NP_001240626.1, residues 279-299): TTLKIDENQL[Met289Ile]YLPDSIGGLI